The following is an entry in ClinVar:

ClinVar aggregate classification (germline): Uncertain significance (1 of 4 stars; one submission).

Conditions:
Cardiovascular phenotype. Identifiers: MedGen CN230736.

Submission:

Ambry Genetics
Classification: Uncertain significance for Cardiovascular phenotype. Last evaluated: 2025-06-09. Review status: criteria provided, single submitter. Criteria: Ambry Variant Classification Scheme 2023. Collection method: clinical testing. Allele origin: germline.
Comment: The p.G438E variant (also known as c.1313G>A), located in coding exon 5 of the PKP2 gene, results from a G to A substitution at nucleotide position 1313. The glycine at codon 438 is replaced by glutamic acid, an amino acid with similar properties. This amino acid position is conserved. In addition, this alteration is predicted to be deleterious by in silico analysis. Based on the available evidence, the clinical significance of this variant remains unclear.

NM_001005242.3(PKP2):c.1313G>A (p.Gly438Glu)

Gene: PKP2 (plakophilin 2; minus strand). Cytogenetic location: 12p11.21.
Variant type: single nucleotide variant.
Coding change: c.1313G>A on transcript NM_001005242.3 (MANE Select); coding-DNA position 1313, G replaced by A.
Protein change: p.Gly438Glu; replaces glycine 438 with glutamic acid.
Molecular consequence: missense variant.
Genome position (GRCh38, 1-based): chr12:32,850,831, C>T on the plus strand (G>A on the coding strand, the complement: PKP2 is on the minus strand). VCF-style: chr12-32850831-C-T. GRCh37 (hg19) VCF-style: chr12-33003765-C-T.
Other names: c.1313G>A, p.Gly438Glu (NM_001407155.1, NM_001407156.1, NM_001407157.1 and 2 more transcripts); c.986G>A, p.Gly329Glu (NM_001407158.1, NM_001407159.1, NM_001407160.1 and 1 more transcripts); short protein forms G329E, G438E.
Identifiers: ClinVar variation 3933322 (VCV003933322.1).